The following is an entry in ClinVar:

ClinVar aggregate classification (germline): Uncertain significance. Review status: criteria provided, multiple submitters, no conflicts (2 of 4 stars). 7 submissions from 6 submitters: Uncertain significance (7). Last evaluated 2025-12-29.

Conditions:
Idiopathic Pulmonary Fibrosis. Also called: Idiopathic fibrosing alveolitis, chronic form; idiopathic fibrosing alveolitis. Identifiers: Orphanet 2032, MedGen C1800706, MeSH D054990, MONDO:0800504.
Dyskeratosis congenita, autosomal dominant 2. Identifiers: MedGen C3151443, MONDO:0013521, OMIM 613989.
Acute myeloid leukemia (AML). Also called: Acute myeloid leukemia, adult; AML adult; Acute non-lymphocytic leukemia; Acute granulocytic leukemia; Leukemia, acute myeloid, somatic; Leukemia, acute myelogenous, somatic. Identifiers: Orphanet 519, MedGen C0023467, MeSH D015470, MONDO:0018874, OMIM 601626, HP:0004808. Disease mechanism: Constitutively activated FLT3.
Pulmonary fibrosis and/or bone marrow failure, Telomere-related, 1. Also called: PULMONARY FIBROSIS AND/OR BONE MARROW FAILURE SYNDROME, TELOMERE-RELATED, 1. Identifiers: Orphanet 88, MedGen C3553617, MONDO:0013878, OMIM 614742.
Melanoma, cutaneous malignant, susceptibility to, 9. Also called: Cutaneous malignant melanoma 9. Identifiers: Orphanet 618, MedGen C3554574, MONDO:0014056, OMIM 615134.
Dyskeratosis congenita. Identifiers: Orphanet 1775, MedGen C0265965, MONDO:0015780.

Allele frequency attached by ClinVar (database versions not stated): TOPMed below 0.00001.
gnomAD v4.1: 5 of 1,568,070 alleles (0.00032%); highest among the groups gnomAD compares: East Asian, 0.0024%; no homozygotes.

Submissions (7):

Labcorp Genetics (formerly Invitae), Labcorp
Classification: Uncertain significance for Dyskeratosis congenita, autosomal dominant 2; Idiopathic Pulmonary Fibrosis. Last evaluated: 2025-12-29. Review status: criteria provided, single submitter. Criteria: Invitae Variant Classification Sherloc (09022015). Collection method: clinical testing. Allele origin: germline.
Comment: This sequence change replaces arginine, which is basic and polar, with histidine, which is basic and polar, at codon 301 of the TERT protein (p.Arg301His). The frequency data for this variant in the population databases is considered unreliable, as metrics indicate poor data quality at this position in the gnomAD database. This variant has not been reported in the literature in individuals affected with TERT-related conditions. ClinVar contains an entry for this variant (Variation ID: 638818). Invitae Evidence Modeling of protein sequence and biophysical properties (such as structural, functional, and spatial information, amino acid conservation, physicochemical variation, residue mobility, and thermodynamic stability) indicates that this missense variant is not expected to disrupt TERT protein function with a negative predictive value of 95%. In summary, the available evidence is currently insufficient to determine the role of this variant in disease. Therefore, it has been classified as a Variant of Uncertain Significance.

Ambry Genetics
Classification: Uncertain significance for Dyskeratosis congenita. Last evaluated: 2025-01-30. Review status: criteria provided, single submitter. Criteria: Ambry Variant Classification Scheme 2023. Collection method: clinical testing. Allele origin: germline.
Comment: The p.R301H variant (also known as c.902G>A), located in coding exon 2 of the TERT gene, results from a G to A substitution at nucleotide position 902. The arginine at codon 301 is replaced by histidine, an amino acid with highly similar properties. This amino acid position is conserved. In addition, this alteration is predicted to be tolerated by in silico analysis. Based on the available evidence, the clinical significance of this variant remains unclear.

ARUP Laboratories, Molecular Genetics and Genomics, ARUP Laboratories
Classification: Uncertain significance. Last evaluated: 2024-11-06. Review status: criteria provided, single submitter. Criteria: ARUP Molecular Germline Variant Investigation Process 2024. Collection method: clinical testing. Allele origin: germline.
Comment: The TERT c.902G>A; p.Arg301His variant (rs1268051204), to our knowledge, is not reported in the medical literature but is reported in ClinVar (Variation ID: 638818). This variant is found in the general population with an overall allele frequency of 0.002% (4/177342 alleles) in the Genome Aggregation Database (v2.1.1). Computational analyses are uncertain whether this variant is neutral or deleterious (REVEL: 0.122). Due to limited information, the clinical significance of this variant is uncertain at this time.

GeneDx
Classification: Uncertain significance. Last evaluated: 2024-02-05. Review status: criteria provided, single submitter. Criteria: GeneDx Variant Classification Process June 2021. Collection method: clinical testing. Allele origin: germline. Affected: yes.
Comment: Not observed at significant frequency in large population cohorts (gnomAD); In silico analysis supports that this missense variant does not alter protein structure/function; Has not been previously published as pathogenic or benign to our knowledge

Fulgent Genetics
Classification: Uncertain significance for Acute myeloid leukemia; Dyskeratosis congenita, autosomal dominant 2; Pulmonary fibrosis and/or bone marrow failure, Telomere-related, 1; Melanoma, cutaneous malignant, susceptibility to, 9. Last evaluated: 2024-01-02. Review status: criteria provided, single submitter. Criteria: ACMG Guidelines, 2015. Collection method: clinical testing. Allele origin: germline.

Center for Genomics, Ann and Robert H. Lurie Children's Hospital of Chicago
Classification: Uncertain significance for Dyskeratosis congenita, autosomal dominant 2; Melanoma, cutaneous malignant, susceptibility to, 9; Pulmonary fibrosis and/or bone marrow failure, Telomere-related, 1; Acute myeloid leukemia. Last evaluated: 2021-03-30. Review status: criteria provided, single submitter. Criteria: ACMG Guidelines, 2015. Collection method: clinical testing. Allele origin: germline.
Comment: TERT NM_198253.2 exon 2 p.Arg301His (c.902G>A): This variant has not been reported in the literature and is not present in large control databases. This variant is present in ClinVar (Variation ID:638818). Evolutionary conservation and computational predictive tools suggest that this variant may not impact the protein. In summary, data on this variant is insufficient for disease classification. Therefore, the clinical significance of this variant is uncertain.

Center for Genomics, Ann and Robert H. Lurie Children's Hospital of Chicago
Classification: Uncertain significance for Dyskeratosis congenita, autosomal dominant 2; Pulmonary fibrosis and/or bone marrow failure, Telomere-related, 1. Last evaluated: 2019-11-19. Review status: criteria provided, single submitter. Criteria: ACMG Guidelines, 2015. Collection method: clinical testing. Allele origin: germline.
Comment: the same text as in the submission from Center for Genomics, Ann and Robert H. Lurie Children's Hospital of Chicago above.

NM_198253.3(TERT):c.902G>A (p.Arg301His)

Gene: TERT (telomerase reverse transcriptase; minus strand). Cytogenetic location: 5p15.33.
Variant type: single nucleotide variant.
Coding change: c.902G>A on transcript NM_198253.3 (MANE Select); coding-DNA position 902, G replaced by A.
Protein change: p.Arg301His; replaces arginine 301 with histidine.
Molecular consequence: missense variant. On other transcripts: non-coding transcript variant (2).
Genome position (GRCh38, 1-based): chr5:1,293,984, C>T on the plus strand (G>A on the coding strand, the complement: TERT is on the minus strand). VCF-style: chr5-1293984-C-T. GRCh37 (hg19) VCF-style: chr5-1294099-C-T.
Other names: c.902G>A, p.Arg301His (NM_001193376.3); short protein forms R301H.
Identifiers: ClinVar variation 638818 (VCV000638818.15), dbSNP rs1268051204, ClinGen allele CA359056229.